The following is an entry in ClinVar:

NM_001005498.4(RHBDF2):c.391C>T (p.Arg131Cys)

Gene: RHBDF2 (rhomboid 5 homolog 2; minus strand). Cytogenetic location: 17q25.1.
Variant type: single nucleotide variant.
Coding change: c.391C>T on transcript NM_001005498.4 (MANE Select); coding-DNA position 391, C replaced by T.
Protein change: p.Arg131Cys; replaces arginine 131 with cysteine.
Molecular consequence: missense variant. On other transcripts: non-coding transcript variant (3).
Genome position (GRCh38, 1-based): chr17:76,479,159, G>A on the plus strand (C>T on the coding strand, the complement: RHBDF2 is on the minus strand). VCF-style: chr17-76479159-G-A. GRCh37 (hg19) VCF-style: chr17-74475241-G-A.
Other names: c.391C>T, p.Arg131Cys (NM_001376228.1, NM_001376229.1, NM_001376230.1); c.478C>T, p.Arg160Cys (NM_024599.5); short protein forms R160C, R131C.
Identifiers: ClinVar variation 325458 (VCV000325458.9), dbSNP rs751482282, ClinGen allele CA8787356.

ClinVar aggregate classification (germline): Conflicting classifications of pathogenicity. Review status: criteria provided, conflicting classifications (1 of 4 stars). 3 submissions from 3 submitters: Uncertain significance (2); Likely benign (1). Last evaluated 2025-08-11.

Conditions:
Inborn genetic diseases. Identifiers: MedGen C0950123, MeSH D030342.
Palmoplantar keratoderma-esophageal carcinoma syndrome (TOC). Also called: Tylosis with Esophageal Cancer; PALMOPLANTAR KERATODERMA WITH ESOPHAGEAL CANCER; KERATOSIS PALMARIS ET PLANTARIS WITH ESOPHAGEAL CANCER. Identifiers: Orphanet 2198, MedGen C1835664, MONDO:0007856, OMIM 148500.

Allele frequency attached by ClinVar (database versions not stated): gnomAD 0.00003 and 0.00004; gnomAD exomes 0.00005 and 0.00009; ExAC 0.00008; TOPMed 0.00009.
gnomAD v4.1: 88 of 1,613,060 alleles (0.0055%); highest among the groups gnomAD compares: Middle Eastern, 0.05%; no homozygotes.

Submissions (3):

Labcorp Genetics (formerly Invitae), Labcorp
Classification: Uncertain significance. Last evaluated: 2025-08-11. Review status: criteria provided, single submitter. Criteria: Invitae Variant Classification Sherloc (09022015). Collection method: clinical testing. Allele origin: germline.
Comment: This sequence change replaces arginine, which is basic and polar, with cysteine, which is neutral and slightly polar, at codon 160 of the RHBDF2 protein (p.Arg160Cys). This variant is present in population databases (rs751482282, gnomAD 0.03%), and has an allele count higher than expected for a pathogenic variant. This variant has not been reported in the literature in individuals affected with RHBDF2-related conditions. ClinVar contains an entry for this variant (Variation ID: 325458). An algorithm developed to predict the effect of missense changes on protein structure and function (PolyPhen-2) suggests that this variant is likely to be disruptive. In summary, the available evidence is currently insufficient to determine the role of this variant in disease. Therefore, it has been classified as a Variant of Uncertain Significance.

Ambry Genetics
Classification: Uncertain significance for Inborn genetic diseases. Last evaluated: 2021-12-03. Review status: criteria provided, single submitter. Criteria: Ambry Variant Classification Scheme 2023. Collection method: clinical testing. Allele origin: germline.

Illumina Laboratory Services, Illumina
Classification: Likely benign for Palmoplantar keratoderma-esophageal carcinoma syndrome. Last evaluated: 2018-01-13. Review status: criteria provided, single submitter. Criteria: ICSL Variant Classification Criteria 13 December 2019. Collection method: clinical testing. Allele origin: germline.
Comment: This variant was observed in the ICSL laboratory as part of a predisposition screen in an ostensibly healthy population. It had not been previously curated by ICSL or reported in the Human Gene Mutation Database (HGMD: prior to June 1st, 2018), and was therefore a candidate for classification through an automated scoring system. Utilizing variant allele frequency, disease prevalence and penetrance estimates, and inheritance mode, an automated score was calculated to assess if this variant is too frequent to cause the disease. Based on the score and internal cut-off values, a variant classified as likely benign is not then subjected to further curation. The score for this variant resulted in a classification of likely benign for this disease.